The following is an entry in ClinVar:

ClinVar aggregate classification (germline): Uncertain significance (1 of 4 stars; one submission).

Submission:

Cytogenetics Laboratory, University of Washington
Classification: Uncertain significance. Last evaluated: 2015-10-28. Review status: criteria provided, single submitter. Criteria: UW Cytogenetics and Genomics Laboratory Policy on CNV Interpretation (5/6/2015). Collection method: clinical testing. Allele origin: unknown. Affected: yes. Observed: 1 variant allele.

Literature cited by the submitters: PubMed 18551756; PubMed 17036314; PubMed 18837054; PubMed 19404257; PubMed 18349135; PubMed 19760623; PubMed 21308999; PubMed 22750301; PubMed 21841781.

GRCh37/hg19 3p26.3(chr3:2291018-2781213)x3

Gene: CNTN4 (contactin 4; plus strand). Cytogenetic location: 3p26.3.
Variant type: copy number gain.
Change: copy number 3 (three copies instead of two) of chr3:2,291,018-2,781,213 (490.2 kb, GRCh37 coordinates, 1-based), cytogenetic band 3p26.3.
Identifiers: ClinVar variation 219045 (VCV000219045.5).